The following is an entry in ClinVar:

NM_000702.4(ATP1A2):c.1931G>A (p.Arg644Gln)

Gene: ATP1A2 (ATPase Na+/K+ transporting subunit alpha 2; plus strand). Cytogenetic location: 1q23.2.
Variant type: single nucleotide variant.
Coding change: c.1931G>A on transcript NM_000702.4 (MANE Select); coding-DNA position 1931, G replaced by A.
Protein change: p.Arg644Gln; replaces arginine 644 with glutamine.
Molecular consequence: missense variant.
Genome position (GRCh38, 1-based): chr1:160,134,587, G>A. VCF-style: chr1-160134587-G-A. GRCh37 (hg19) VCF-style: chr1-160104377-G-A.
Other names: short protein forms R644Q.
Identifiers: ClinVar variation 204894 (VCV000204894.18), dbSNP rs745824475, ClinGen allele CA313301.

ClinVar aggregate classification (germline): Uncertain significance. Review status: criteria provided, multiple submitters, no conflicts (2 of 4 stars). 6 submissions from 6 submitters: Uncertain significance (6). Last evaluated 2026-06-01.

Conditions:
Alternating hemiplegia of childhood 1 (AHC1). Identifiers: Orphanet 2131, MedGen C3549447, MONDO:0007087, OMIM 104290.
Fetal akinesia, respiratory insufficiency, microcephaly, polymicrogyria, and dysmorphic facies. Identifiers: MedGen C5562015, MONDO:0859204, OMIM 619602.
Developmental and epileptic encephalopathy 98. Identifiers: MedGen C5562017, MONDO:0030472, OMIM 619605.
Migraine, familial hemiplegic, 2. Identifiers: Orphanet 569, MedGen C1865322, MONDO:0011232, OMIM 602481.
Inborn genetic diseases. Identifiers: MedGen C0950123, MeSH D030342.
Familial hemiplegic migraine. Identifiers: MedGen C0338484, MONDO:0000700.

Allele frequency attached by ClinVar (database versions not stated): gnomAD 0.00001; gnomAD exomes 0.00001 and 0.00002; ExAC 0.00002; TOPMed 0.00002.
gnomAD v4.1: 16 of 1,614,070 alleles (0.00099%); highest among the groups gnomAD compares: East Asian, 0.0045%; no homozygotes.

Submissions (6):

CeGaT Center for Human Genetics Tuebingen
Classification: Uncertain significance. Last evaluated: 2026-06-01. Review status: criteria provided, single submitter. Criteria: CeGaT Center For Human Genetics Tuebingen Variant Classification Criteria Version 2. Collection method: clinical testing. Allele origin: germline. Affected: yes. Observed: 1 variant allele.
Comment: ATP1A2: PM2, PP3

Labcorp Genetics (formerly Invitae), Labcorp
Classification: Uncertain significance for Familial hemiplegic migraine. Last evaluated: 2026-01-09. Review status: criteria provided, single submitter. Criteria: Invitae Variant Classification Sherloc (09022015). Collection method: clinical testing. Allele origin: germline.
Comment: This sequence change replaces arginine, which is basic and polar, with glutamine, which is neutral and polar, at codon 644 of the ATP1A2 protein (p.Arg644Gln). This variant is present in population databases (rs745824475, gnomAD 0.004%). This variant has not been reported in the literature in individuals affected with ATP1A2-related conditions. ClinVar contains an entry for this variant (Variation ID: 204894). Invitae Evidence Modeling of protein sequence and biophysical properties (such as structural, functional, and spatial information, amino acid conservation, physicochemical variation, residue mobility, and thermodynamic stability) has been performed for this missense variant. However, the output from this modeling did not meet the statistical confidence thresholds required to predict the impact of this variant on ATP1A2 protein function. In summary, the available evidence is currently insufficient to determine the role of this variant in disease. Therefore, it has been classified as a Variant of Uncertain Significance.

Ambry Genetics
Classification: Uncertain significance for Inborn genetic diseases. Last evaluated: 2025-09-22. Review status: criteria provided, single submitter. Criteria: Ambry Variant Classification Scheme 2023. Collection method: clinical testing. Allele origin: germline.

Fulgent Genetics
Classification: Uncertain significance for Alternating hemiplegia of childhood 1; Migraine, familial hemiplegic, 2; Fetal akinesia, respiratory insufficiency, microcephaly, polymicrogyria, and dysmorphic facies; Developmental and epileptic encephalopathy 98. Last evaluated: 2024-03-13. Review status: criteria provided, single submitter. Criteria: ACMG Guidelines, 2015. Collection method: clinical testing. Allele origin: germline.

Illumina Laboratory Services, Illumina
Classification: Uncertain significance for Migraine, familial hemiplegic, 2. Last evaluated: 2021-08-20. Review status: criteria provided, single submitter. Criteria: ICSLVariantClassificationCriteria RUGD 01 April 2020. Collection method: clinical testing. Allele origin: unknown.
Comment: The ATP1A2 c.1931G>A (p.Arg644Gln) variant is a missense variant. A literature search was performed for the gene, cDNA change, and amino acid change. No publications were found based on this search. The p.Arg644Gln variant is reported at a frequency of 0.000035 in the European (non-Finnish) population of the Genome Aggregation Database (version 2.1.1). Based on the limited evidence, the p.Arg644Gln variant is classified as a variant of uncertain significance for familial hemiplegic migraine.

New York Genome Center
Classification: Uncertain significance for Migraine, familial hemiplegic, 2; Alternating hemiplegia of childhood 1. Last evaluated: 2021-06-04. Review status: criteria provided, single submitter. Criteria: NYGC Assertion Criteria 2020. Collection method: clinical testing. Allele origin: inherited. Observed: 1 heterozygote. Study: CSER-NYCKidSeq.
Comment: The inherited c.1931G>A (p.Arg644Gln) variant identified in the ATP1A2 gene substitutes a very well conserved Arginine for Glutamine at amino acid 644/1021 (exon 14/23). This variant is found with low frequency in gnomAD(v3.1.1) (1 heterozygote, 0 homozygotes; allele frequency:6.57e-6) suggesting itis not a common benign variant in the populations represented in that database. In silico algorithms predict this variant to be Damaging (SIFT; score:0.007) and Pathogenic (REVEL; score:0.6629) to the function of the canonical transcript. This variant is reported as a Variant of Uncertain Significance in ClinVar (VarID:204894)and to our current knowledge has not been reported in affected individuals in the literature. The p.Arg644 residue is within a cytoplasmic domain of the protein(UniProtKB:P50993). Given the lack of compelling evidence for its pathogenicity, the inherited c.1931G>A (p.Arg644Gln) variant identified in the ATP1A2 gene is reported as a Variant of Uncertain Significance.